The following is an entry in ClinVar:

NM_018292.5(QRSL1):c.355A>G (p.Thr119Ala)

Gene: QRSL1 (glutaminyl-tRNA amidotransferase subunit QRSL1; plus strand). Cytogenetic location: 6q21.
Variant type: single nucleotide variant.
Coding change: c.355A>G on transcript NM_018292.5 (MANE Select); coding-DNA position 355, A replaced by G.
Protein change: p.Thr119Ala; replaces threonine 119 with alanine.
Molecular consequence: missense variant.
Genome position (GRCh38, 1-based): chr6:106,643,065, A>G. VCF-style: chr6-106643065-A-G. GRCh37 (hg19) VCF-style: chr6-107090940-A-G.
Other names: short protein forms T119A.
Identifiers: ClinVar variation 1918645 (VCV001918645.5), dbSNP rs2114704582, ClinGen allele CA365175053.

ClinVar aggregate classification (germline): Uncertain significance (1 of 4 stars; one submission).

Allele frequency attached by ClinVar (database versions not stated): gnomAD exomes below 0.00001.
gnomAD v4.1: 4 of 1,610,804 alleles (0.00025%); highest among the groups gnomAD compares: African/African-American, 0.0013%; no homozygotes.

Submission:

Labcorp Genetics (formerly Invitae), Labcorp
Classification: Uncertain significance. Last evaluated: 2022-08-20. Review status: criteria provided, single submitter. Criteria: Invitae Variant Classification Sherloc (09022015). Collection method: clinical testing. Allele origin: germline.
Comment: In summary, the available evidence is currently insufficient to determine the role of this variant in disease. Therefore, it has been classified as a Variant of Uncertain Significance. Algorithms developed to predict the effect of missense changes on protein structure and function (SIFT, PolyPhen-2, Align-GVGD) all suggest that this variant is likely to be disruptive. This variant has not been reported in the literature in individuals affected with QRSL1-related conditions. This variant is not present in population databases (gnomAD no frequency). This sequence change replaces threonine, which is neutral and polar, with alanine, which is neutral and non-polar, at codon 119 of the QRSL1 protein (p.Thr119Ala).